The following is an entry in ClinVar:

NM_001267550.2(TTN):c.97897A>G (p.Thr32633Ala)

Genes: TTN (titin; minus strand), TTN-AS1 (TTN antisense RNA 1; plus strand). Cytogenetic location: 2q31.2.
Variant type: single nucleotide variant.
Coding change: c.97897A>G on transcript NM_001267550.2 (MANE Select); coding-DNA position 97897, A replaced by G.
Protein change: p.Thr32633Ala; replaces threonine 32633 with alanine.
Molecular consequence: missense variant.
Genome position (GRCh38, 1-based): chr2:178,540,269, T>C on the plus strand (A>G on the coding strand, the complement: TTN is on the minus strand). VCF-style: chr2-178540269-T-C. GRCh37 (hg19) VCF-style: chr2-179404996-T-C.
Other names: c.92974A>G, p.Thr30992Ala (NM_001256850.1); c.70702A>G, p.Thr23568Ala (NM_003319.4); c.90193A>G, p.Thr30065Ala (NM_133378.4); c.71077A>G, p.Thr23693Ala (NM_133432.3); c.71278A>G, p.Thr23760Ala (NM_133437.4); short protein forms T30992A, T23693A, T23760A, T30065A, T32633A, T23568A.
Identifiers: ClinVar variation 1757008 (VCV001757008.2), dbSNP rs2468796952, ClinGen allele CA349436039.
Genomic context (GRCh38, chr2:178,540,269, plus strand): 5'-TGGTGTTACACTTGGTCCATTCATGTTGATCTACTTTTTGCATTTCAATCAAGTAGCCTG[T>C]GACTTTAGATCCTCCTTCATCTTCTGGAACACTCCAGGCCAGGGAGACTGATGTCCTTGT-3'
Protein context (NP_001254479.2, residues 32623-32643): VPEDEGGSKV[Thr32633Ala]GYLIEMQKVD

ClinVar aggregate classification (germline): Uncertain significance (1 of 4 stars; one submission).

Conditions:
Cardiovascular phenotype. Identifiers: MedGen CN230736.

Submission:

Ambry Genetics
Classification: Uncertain significance for Cardiovascular phenotype. Last evaluated: 2019-02-06. Review status: criteria provided, single submitter. Criteria: Ambry Variant Classification Scheme 2023. Collection method: clinical testing. Allele origin: germline.
Comment: The p.T23568A variant (also known as c.70702A>G), located in coding exon 178 of the TTN gene, results from an A to G substitution at nucleotide position 70702. The threonine at codon 23568 is replaced by alanine, an amino acid with similar properties. This amino acid position is well conserved in available vertebrate species. In addition, this alteration is predicted to be tolerated by in silico analysis. Since supporting evidence is limited at this time, the clinical significance of this alteration remains unclear.